The following is an entry in ClinVar:

ClinVar aggregate classification (germline): Likely benign (0 of 4 stars; one submission).

Conditions:
MUC16-related disorder. Also called: MUC16-related condition.

Allele frequency attached by ClinVar (database versions not stated): ExAC 0.00003; TOPMed 0.00003.

Submission:

PreventionGenetics, part of Exact Sciences
Classification: Likely benign for MUC16-related condition. Last evaluated: 2019-06-21. Review status: no assertion criteria provided. Collection method: clinical testing. Allele origin: germline.
Comment: This variant is classified as likely benign based on ACMG/AMP sequence variant interpretation guidelines (Richards et al. 2015 PMID: 25741868, with internal and published modifications).

NM_001401501.2(MUC16):c.42380+4C>T

Gene: MUC16 (mucin 16, cell surface associated; minus strand). Cytogenetic location: 19p13.2.
Variant type: single nucleotide variant.
Coding change: c.42380+4C>T on transcript NM_001401501.2 (MANE Select); 4 bases into the intron after coding-DNA position 42380, C replaced by T.
Molecular consequence: intron variant.
Genome position (GRCh38, 1-based): chr19:8,868,537, G>A on the plus strand (C>T on the coding strand, the complement: MUC16 is on the minus strand). VCF-style: chr19-8868537-G-A. GRCh37 (hg19) VCF-style: chr19-8979213-G-A.
Other names: c.42806+4C>T (NM_001414686.1); c.42260+4C>T (NM_001414687.1); c.42154+4C>T (NM_024690.2).
Identifiers: ClinVar variation 3043286 (VCV003043286.2), dbSNP rs775002008, ClinGen allele CA9162491.